The following is an entry in ClinVar:

NM_006502.3(POLH):c.*537C>T

Gene: POLH (DNA polymerase eta; plus strand). Cytogenetic location: 6p21.1.
Variant type: single nucleotide variant.
Coding change: c.*537C>T on transcript NM_006502.3 (MANE Select); 537 bases downstream of the stop codon, C replaced by T.
Molecular consequence: 3 prime UTR variant.
Genome position (GRCh38, 1-based): chr6:43,615,094, C>T. VCF-style: chr6-43615094-C-T. GRCh37 (hg19) VCF-style: chr6-43582831-C-T.
Other names: c.*537C>T (NM_001291969.2); c.*1363C>T (NM_001291970.2).
Identifiers: ClinVar variation 356920 (VCV000356920.7), dbSNP rs55704248, ClinGen allele CA10626946.
Genomic context (GRCh38, chr6:43,615,094, plus strand): 5'-GAGGCAGACAGATCACCTGAGGTCAGGAGTTTGAGACCAGCCTGGCCAACATGGCAAAAC[C>T]ATCTCTACTAAAAATAGAAAAATTAGCCAGGCACGTTCCAGGCACCTGTGATCCCAGCTA-3'

ClinVar aggregate classification (germline): Benign (1 of 4 stars; one submission).

Conditions:
Xeroderma pigmentosum variant type. Also called: POLH-Related Xeroderma Pigmentosum; PHOTOSENSITIVITY WITH DEFECTIVE DNA SYNTHESIS; XERODERMA PIGMENTOSUM WITH NORMAL DNA REPAIR RATES. Identifiers: Orphanet 90342, MedGen C1848410, MONDO:0010214, OMIM 278750.

Allele frequency attached by ClinVar (database versions not stated): gnomAD exomes 0.01475; gnomAD 0.04781 and 0.04808; TOPMed 0.04851; 1000 Genomes Project 30x 0.05903; 1000 Genomes Project 0.05911.
gnomAD v4.1: 7,267 of 153,000 alleles (4.7%); highest among the groups gnomAD compares: African/African-American, 8.5%; 222 homozygotes.

Submission:

Illumina Laboratory Services, Illumina
Classification: Benign for Xeroderma pigmentosum variant type. Last evaluated: 2018-01-13. Review status: criteria provided, single submitter. Criteria: ICSL Variant Classification Criteria 13 December 2019. Collection method: clinical testing. Allele origin: germline.
Comment: This variant was observed in the ICSL laboratory as part of a predisposition screen in an ostensibly healthy population. It had not been previously curated by ICSL or reported in the Human Gene Mutation Database (HGMD: prior to June 1st, 2018), and was therefore a candidate for classification through an automated scoring system. Utilizing variant allele frequency, disease prevalence and penetrance estimates, and inheritance mode, an automated score was calculated to assess if this variant is too frequent to cause the disease. Based on the score and internal cut-off values, a variant classified as benign is not then subjected to further curation. The score for this variant resulted in a classification of benign for this disease.